The following is an entry in ClinVar:

ClinVar aggregate classification (germline): Uncertain significance (1 of 4 stars; one submission).

gnomAD v4.1: 6 of 1,613,970 alleles (0.00037%); highest among the groups gnomAD compares: African/African-American, 0.0053%; no homozygotes.

Submission:

Women's Health and Genetics/Laboratory Corporation of America, LabCorp
Classification: Uncertain significance. Last evaluated: 2024-07-03. Review status: criteria provided, single submitter. Criteria: LabCorp Variant Classification Summary - May 2015. Collection method: clinical testing. Allele origin: germline.
Comment: Variant summary: PAH c.790C>T (p.His264Tyr) results in a conservative amino acid change located in the aromatic amino acid hydroxylase, C-terminal (IPR019774) of the encoded protein sequence. Three of five in-silico tools predict a damaging effect of the variant on protein function. The variant allele was found at a frequency of 8e-06 in 251362 control chromosomes (gnomAD). The available data on variant occurrences in the general population are insufficient to allow any conclusion about variant significance. To our knowledge, no occurrence of c.790C>T in individuals affected with Phenylalanine Hydroxylase Deficiency (Phenylketonuria) and no experimental evidence demonstrating its impact on protein function have been reported. No submitters have cited clinical-significance assessments for this variant to ClinVar. Based on the evidence outlined above, the variant was classified as uncertain significance.

NM_000277.3(PAH):c.790C>T (p.His264Tyr)

Gene: PAH (phenylalanine hydroxylase; minus strand). Cytogenetic location: 12q23.2.
Variant type: single nucleotide variant.
Coding change: c.790C>T on transcript NM_000277.3 (MANE Select); coding-DNA position 790, C replaced by T.
Protein change: p.His264Tyr; replaces histidine 264 with tyrosine.
Molecular consequence: missense variant.
Genome position (GRCh38, 1-based): chr12:102,852,867, G>A on the plus strand (C>T on the coding strand, the complement: PAH is on the minus strand). VCF-style: chr12-102852867-G-A. GRCh37 (hg19) VCF-style: chr12-103246645-G-A.
Other names: c.790C>T, p.His264Tyr (NM_001354304.2); short protein forms H264Y.
Identifiers: ClinVar variation 3339145 (VCV003339145.1).
Genomic context (GRCh38, chr12:102,852,867, plus strand): 5'-GTACTCACGGTTCGGGGGTATACATGGGCTTGGATCCATGTCTGATGTACTGTGTGCAGT[G>A]GAAGACTCGGAAGGCCAGGCCACCCAAGAAATCCCGAGAGGAAAGCAGGCCAGCCACAGG-3'
Protein context (NP_000268.1, residues 254-274): FLGGLAFRVF[His264Tyr]CTQYIRHGSK